The following is an entry in ClinVar:

NM_000238.4(KCNH2):c.1874T>C (p.Val625Ala)

Gene: KCNH2 (potassium voltage-gated channel subfamily H member 2; minus strand). Cytogenetic location: 7q36.1.
Variant type: single nucleotide variant.
Coding change: c.1874T>C on transcript NM_000238.4 (MANE Select); coding-DNA position 1874, T replaced by C.
Protein change: p.Val625Ala; replaces valine 625 with alanine.
Molecular consequence: missense variant.
Genome position (GRCh38, 1-based): chr7:150,951,519, A>G on the plus strand (T>C on the coding strand, the complement: KCNH2 is on the minus strand). VCF-style: chr7-150951519-A-G. GRCh37 (hg19) VCF-style: chr7-150648607-A-G.
Other names: c.854T>C, p.Val285Ala (NM_001204798.2, NM_172057.3); c.1586T>C, p.Val529Ala (NM_001406753.1, NM_001406756.1); c.1697T>C, p.Val566Ala (NM_001406755.1); c.1574T>C, p.Val525Ala (NM_001406757.1); c.1874T>C, p.Val625Ala (NM_172056.3); short protein forms V285A, V625A, V525A, V529A, V566A.
Identifiers: ClinVar variation 222668 (VCV000222668.8), dbSNP rs199472951, ClinGen allele CA353893.
Genomic context (GRCh38, chr7:150,951,519, plus strand): 5'-ATGACGCAGATGGAGAAGATCTTCTCTGAGTTGGTGTTGGGAGAGACGTTGCCGAAGCCC[A>G]CACTGGTGAGGCTGCTGAAGGTGAAGTAGAGCGCCGTCACATACTTGTCCTTGATGGAGG-3'
Protein context (NP_000229.1, residues 615-635): LYFTFSSLTS[Val625Ala]GFGNVSPNTN

ClinVar aggregate classification (germline): Pathogenic/Likely pathogenic. Review status: criteria provided, multiple submitters, no conflicts (2 of 4 stars). 2 submissions from 2 submitters: Pathogenic (1); Likely pathogenic (1). Last evaluated 2024-11-14.

Conditions:
Cardiovascular phenotype. Identifiers: MedGen CN230736.
KCNH2-related disorder. Also called: KCNH2-related disorders; KCNH2-related condition.

Submissions (2):

Molecular Diagnostic Laboratory for Inherited Cardiovascular Disease, Montreal Heart Institute
Classification: Likely pathogenic for Cardiovascular phenotype. Last evaluated: 2024-11-14. Review status: criteria provided, single submitter. Criteria: ACMG Guidelines, 2015. Collection method: clinical testing. Allele origin: germline. Affected: yes.
Comment: PM1;PM2;PS3_mod;PP2;PP3

Blueprint Genetics
Classification: Pathogenic for KCNH2-related disorders. Last evaluated: 2023-06-12. Review status: criteria provided, single submitter. Criteria: ACMG Guidelines, 2015. Collection method: clinical testing. Allele origin: germline. Affected: yes. Observed: 3 variant alleles.